The following is an entry in ClinVar:

NM_005902.4(SMAD3):c.1066_1069del (p.Val356fs)

Gene: SMAD3 (SMAD family member 3; plus strand). Cytogenetic location: 15q22.33.
Variant type: Deletion.
Coding change: c.1066_1069del on transcript NM_005902.4 (MANE Select); coding-DNA positions 1066 to 1069, 4 bases deleted (GTCA; older notation c.1066_1069delGTCA).
Protein change: p.Val356fs; shifts the reading frame from valine 356.
Molecular consequence: frameshift variant.
Genome position (GRCh38, 1-based): chr15:67,187,421-67,187,424, GTCA deleted. VCF-style (leftmost placement, unchanged base first): chr15-67187420-GGTCA-G. GRCh37 (hg19) VCF-style: chr15-67479758-GGTCA-G.
Other names: c.919_922del, p.Val307fs (NM_001407014.1); c.619_622del, p.Val207fs (NM_001407015.1); c.751_754del, p.Val251fs (NM_001407016.1, NM_001145102.2); c.481_484del, p.Val161fs (NM_001407017.1, NM_001145104.2); c.934_937del, p.Val312fs (NM_001145103.2, NM_001407012.1); c.1177_1180del, p.Val393fs (NM_001407011.1); c.928_931del, p.Val310fs (NM_001407013.1); short protein forms V161fs, V207fs, V251fs, V307fs, V310fs, V312fs, V356fs, V393fs.
Identifiers: ClinVar variation 4076185 (VCV004076185.1).

ClinVar aggregate classification (germline): Likely pathogenic (1 of 4 stars; one submission).

Conditions:
Aneurysm-osteoarthritis syndrome. Also called: Loeys-Dietz syndrome, type 1C; LOEYS-DIETZ SYNDROME WITH OSTEOARTHRITIS; SMAD3-Related Loeys-Dietz Syndrome; ANEURYSMS-OSTEOARTHRITIS SYNDROME. Identifiers: Orphanet 284984, MedGen C3151087, MONDO:0013426, OMIM 613795.

Submission:

Laboratorio de Genetica e Diagnostico Molecular, Hospital Israelita Albert Einstein
Classification: Likely pathogenic for Aneurysm-osteoarthritis syndrome. Last evaluated: 2025-03-26. Review status: criteria provided, single submitter. Criteria: ACMG Guidelines, 2015. Collection method: clinical testing. Allele origin: germline. Affected: yes.
Comment: ACMG classification criteria: PVS1 very strong, PM2 supporting